The following is an entry in ClinVar:

NM_020631.6(PLEKHG5):c.2945del (p.Lys982fs)

Gene: PLEKHG5 (pleckstrin homology and RhoGEF domain containing G5; minus strand). Cytogenetic location: 1p36.31.
Variant type: Deletion.
Coding change: c.2945del on transcript NM_020631.6 (MANE Select); coding-DNA position 2945, one base deleted (A; older notation c.2945delA).
Protein change: p.Lys982fs; shifts the reading frame from lysine 982.
Molecular consequence: frameshift variant.
Genome position (GRCh38, 1-based): chr1:6,467,891, T deleted on the plus strand (A on the coding strand, the reverse complement: PLEKHG5 is on the minus strand); the first of 2 consecutive T bases (chr1:6,467,891-6,467,892); deleting either gives the same sequence. VCF-style (leftmost placement, unchanged base first): chr1-6467890-CT-C. GRCh37 (hg19) VCF-style: chr1-6527950-CT-C.
Other names: c.3056del, p.Lys1019fs (NM_001042663.3, NM_001265592.2); c.2945del, p.Lys982fs (NM_001042664.2, NM_001042665.2, NM_198681.4); c.3152del, p.Lys1051fs (NM_001265593.2); c.2745del, p.Ala916fs (NM_001265594.3); short protein forms K982fs, K1019fs, A916fs, K1051fs.
Identifiers: ClinVar variation 2932016 (VCV002932016.4), dbSNP rs2523102829, ClinGen allele CA2740090570.

ClinVar aggregate classification (germline): Pathogenic. Review status: criteria provided, multiple submitters, no conflicts (2 of 4 stars). 2 submissions from 2 submitters: Pathogenic (2). Last evaluated 2024-07-22.

Conditions:
Charcot-Marie-Tooth disease recessive intermediate C. Also called: CHARCOT-MARIE-TOOTH NEUROPATHY, RECESSIVE INTERMEDIATE C. Identifiers: Orphanet 369867, MedGen C3809309, MONDO:0014154, OMIM 615376.
Neuronopathy, distal hereditary motor, autosomal recessive 4. Also called: Autosomal recessive lower motor neuron disease with childhood onset; NEUROPATHY, DISTAL HEREDITARY MOTOR, AUTOSOMAL RECESSIVE 4. Identifiers: Orphanet 206580, MedGen C1970211, MONDO:0012608, OMIM 611067.

Submissions (2):

Dasa
Classification: Pathogenic. Last evaluated: 2024-07-22. Review status: criteria provided, single submitter. Criteria: DASA Assertion Criteria. Collection method: clinical testing. Allele origin: germline.
Comment: NM_020631.6(PLEKHG5):c.2945del (p.Lys982Serfs*2) introduces a premature termination codon predicted to result in loss of normal protein function. Loss-of-function is an established mechanism of disease for this gene. Based on the available data, this variant is classified as pathogenic.

Labcorp Genetics (formerly Invitae), Labcorp
Classification: Pathogenic for Neuronopathy, distal hereditary motor, autosomal recessive 4; Charcot-Marie-Tooth disease recessive intermediate C. Last evaluated: 2023-06-16. Review status: criteria provided, single submitter. Criteria: Invitae Variant Classification Sherloc (09022015). Collection method: clinical testing. Allele origin: germline.
Comment: For these reasons, this variant has been classified as Pathogenic. This variant has not been reported in the literature in individuals affected with PLEKHG5-related conditions. This variant is not present in population databases (gnomAD no frequency). This sequence change creates a premature translational stop signal (p.Lys982Serfs*2) in the PLEKHG5 gene. It is expected to result in an absent or disrupted protein product. Loss-of-function variants in PLEKHG5 are known to be pathogenic (PMID: 17564964, 23777631).

Literature cited by the submitters: PubMed 17564964 (cited by Labcorp Genetics (formerly Invitae), Labcorp); PubMed 23777631 (cited by Labcorp Genetics (formerly Invitae), Labcorp).